The following is an entry in ClinVar:

NM_001267550.2(TTN):c.9512A>G (p.Asn3171Ser)

Gene: TTN (titin; minus strand). Cytogenetic location: 2q31.2.
Variant type: single nucleotide variant.
Coding change: c.9512A>G on transcript NM_001267550.2 (MANE Select); coding-DNA position 9512, A replaced by G.
Protein change: p.Asn3171Ser; replaces asparagine 3171 with serine.
Molecular consequence: missense variant.
Genome position (GRCh38, 1-based): chr2:178,766,572, T>C on the plus strand (A>G on the coding strand, the complement: TTN is on the minus strand). VCF-style: chr2-178766572-T-C. GRCh37 (hg19) VCF-style: chr2-179631299-T-C.
Other names: p.Asn3171Ser; c.9512A>G (NM_001267550.1); c.9512A>G, p.Asn3171Ser (NM_133378.4, NM_001256850.1, NM_133379.5); c.9374A>G, p.Asn3125Ser (NM_003319.4, NM_133432.3, NM_133437.4); short protein forms N3171S, N3125S.
Identifiers: ClinVar variation 263726 (VCV000263726.42), dbSNP rs139992576, ClinGen allele CA2004300.

ClinVar aggregate classification (germline): Conflicting classifications of pathogenicity. Review status: criteria provided, conflicting classifications (1 of 4 stars). 14 submissions from 10 submitters: Uncertain significance (11); Benign (2). 1 of the submissions does not count toward it. Last evaluated 2026-08-24.

Conditions:
TTN-related disorder. Also called: TTN-related disorders; TTN-related condition; TTN-related disease.
Cardiovascular phenotype. Identifiers: MedGen CN230736.
Autosomal recessive limb-girdle muscular dystrophy type 2J (LGMDR10). Also called: Limb-girdle muscular dystrophy, type 2J; MUSCULAR DYSTROPHY, LIMB-GIRDLE, AUTOSOMAL RECESSIVE 10. Identifiers: Orphanet 140922, MedGen C1837342, MONDO:0012127, OMIM 608807.
Dilated cardiomyopathy 1G (CMD1G). Identifiers: Orphanet 154, MedGen C1858763, MONDO:0011400, OMIM 604145.
Early-onset myopathy with fatal cardiomyopathy (CMYO5). Also called: Salih Myopathy; CONGENITAL MYOPATHY 5 WITH CARDIOMYOPATHY. Identifiers: Orphanet 289377, MedGen C2673677, MONDO:0012714, OMIM 611705. Disease mechanism: loss of function.
Tibial muscular dystrophy (TMD). Also called: Udd Distal Myopathy – Tibial Muscular Dystrophy; UDD MYOPATHY; Tibial muscular dystrophy, tardive. Identifiers: Orphanet 609, MedGen C1838244, MONDO:0010870, OMIM 600334.
Myopathy, myofibrillar, 9, with early respiratory failure (MFM9). Also called: EDSTROM MYOPATHY; MYOPATHY, PROXIMAL, WITH EARLY RESPIRATORY MUSCLE INVOLVEMENT; Hereditary myopathy with early respiratory failure; Myopathy, distal, with early respiratory failure, autosomal dominant. Identifiers: Orphanet 178464, Orphanet 34521, MedGen C1863599, MONDO:0011362, OMIM 603689.

Allele frequency attached by ClinVar (database versions not stated): gnomAD 0.00006; ESP Exome Variant Server 0.00008; TOPMed 0.00009; 1000 Genomes Project 30x 0.00016; 1000 Genomes Project 0.00020.
gnomAD v4.1: 141 of 1,614,086 alleles (0.0087%); highest among the groups gnomAD compares: Middle Eastern, 0.017%; no homozygotes.

Submissions (14):

GeneDx
Classification: Uncertain significance. Last evaluated: 2026-08-24. Review status: criteria provided, single submitter. Criteria: GeneDx Variant Classification Process June 2021. Collection method: clinical testing. Allele origin: germline.
Comment: Identified in a patient with Brugada syndrome in published literature (PMID: 29956481); Missense variant in a gene in which most reported pathogenic variants are truncating/loss of function; In-silico analysis is inconclusive as to whether the variant alters gene splicing. In the absence of RNA/functional studies, the actual effect of this sequence change is unknown.; This variant is associated with the following publications: (PMID: 29956481)

CeGaT Center for Human Genetics Tuebingen
Classification: Uncertain significance. Last evaluated: 2026-07-01. Review status: criteria provided, single submitter. Criteria: CeGaT Center For Human Genetics Tuebingen Variant Classification Criteria Version 2. Collection method: clinical testing. Allele origin: germline. Affected: yes. Observed: 3 variant alleles.

PreventionGenetics, part of Exact Sciences
Classification: Uncertain significance for TTN-related condition. Last evaluated: 2026-05-11. Review status: criteria provided, single submitter. Criteria: ACMG Guidelines, 2015. Collection method: clinical testing. Allele origin: germline.
Comment: The TTN c.9512A>G variant is predicted to result in the amino acid substitution p.Asn3171Ser. To our knowledge, this variant has not been reported in the literature. This variant is reported in 0.013% of alleles in individuals of European (Non-Finnish) descent in gnomAD. At this time, the clinical significance of this variant is uncertain due to the absence of conclusive functional and genetic evidence.

Women's Health and Genetics/Laboratory Corporation of America, LabCorp
Classification: Uncertain significance. Last evaluated: 2023-11-06. Review status: criteria provided, single submitter. Criteria: LabCorp Variant Classification Summary - May 2015. Collection method: clinical testing. Allele origin: germline.
Comment: Variant summary: TTN c.9512A>G (p.Asn3171Ser) results in a conservative amino acid change located in the I-band domain of the encoded protein sequence. three of five in-silico tools predict a benign effect of the variant on protein function. The variant allele was found at a frequency of 6.8e-05 in 250758 control chromosomes (gnomAD). c.9512A>G has been reported in the literature in one individual affected with Brugada Syndrome (Scumaci_2018). The report does not provide unequivocal conclusions about association of the variant with Limb-Girdle Muscular Dystrophy, Type 2J. To our knowledge, no experimental evidence demonstrating an impact on protein function has been reported. The following publication have been ascertained in the context of this evaluation (PMID: 29956481). Six submitters have cited clinical-significance assessments for this variant to ClinVar after 2014 and classified this variant as benign (n=1) and uncertain significance (n=5). Based on the evidence outlined above, the variant was classified as uncertain significance.

Mayo Clinic Laboratories, Mayo Clinic
Classification: Uncertain significance. Last evaluated: 2021-11-17. Review status: criteria provided, single submitter. Criteria: ACMG Guidelines, 2015. Collection method: clinical testing. Allele origin: germline.

Illumina Laboratory Services, Illumina
Classification: Uncertain significance for Early-onset myopathy with fatal cardiomyopathy. Last evaluated: 2018-01-13. Review status: criteria provided, single submitter. Criteria: ICSL Variant Classification Criteria 13 December 2019. Collection method: clinical testing. Allele origin: germline.

Illumina Laboratory Services, Illumina
Classification: Uncertain significance for Autosomal recessive limb-girdle muscular dystrophy type 2J. Last evaluated: 2018-01-13. Review status: criteria provided, single submitter. Criteria: ICSL Variant Classification Criteria 13 December 2019. Collection method: clinical testing. Allele origin: germline.

Illumina Laboratory Services, Illumina
Classification: Uncertain significance for Dilated cardiomyopathy 1G. Last evaluated: 2018-01-13. Review status: criteria provided, single submitter. Criteria: ICSL Variant Classification Criteria 13 December 2019. Collection method: clinical testing. Allele origin: germline.

Illumina Laboratory Services, Illumina
Classification: Benign for Myopathy, myofibrillar, 9, with early respiratory failure. Last evaluated: 2018-01-13. Review status: criteria provided, single submitter. Criteria: ICSL Variant Classification Criteria 13 December 2019. Collection method: clinical testing. Allele origin: germline.
Comment: This variant was observed in the ICSL laboratory as part of a predisposition screen in an ostensibly healthy population. It had not been previously curated by ICSL or reported in the Human Gene Mutation Database (HGMD: prior to June 1st, 2018), and was therefore a candidate for classification through an automated scoring system. Utilizing variant allele frequency, disease prevalence and penetrance estimates, and inheritance mode, an automated score was calculated to assess if this variant is too frequent to cause the disease. Based on the score and internal cut-off values, a variant classified as benign is not then subjected to further curation. The score for this variant resulted in a classification of benign for this disease.

Illumina Laboratory Services, Illumina
Classification: Benign for Tibial muscular dystrophy. Last evaluated: 2018-01-13. Review status: criteria provided, single submitter. Criteria: ICSL Variant Classification Criteria 13 December 2019. Collection method: clinical testing. Allele origin: germline.
Comment: the same text as in the submission from Illumina Laboratory Services, Illumina above.

Labcorp Genetics (formerly Invitae), Labcorp
Classification: Uncertain significance for Dilated cardiomyopathy 1G; Autosomal recessive limb-girdle muscular dystrophy type 2J. Last evaluated: 2017-11-06. Review status: criteria provided, single submitter. Criteria: Invitae Variant Classification Sherloc (09022015). Collection method: clinical testing. Allele origin: germline.
Comment: This sequence change replaces asparagine with serine at codon 3171 of the TTN protein (p.Asn3171Ser). There is a small physicochemical difference between asparagine and serine. This variant is present in population databases (rs139992576, ExAC 0.02%) but has not been reported in the literature in individuals with a TTN-related disease. ClinVar contains an entry for this variant (Variation ID: 263726). This variant identified in the TTN gene is located in the I band of the resulting protein (PMID: 25589632). It is unclear how this variant impacts the function of this protein. Algorithms developed to predict the effect of missense changes on protein structure and function are unavailable for the TTN gene. Algorithms developed to predict the effect of sequence changes on RNA splicing suggest that this variant may alter RNA splicing, but this prediction has not been confirmed by published transcriptional studies. In summary, this variant is a rare missense change with uncertain impact on splicing. Because it is found in the population at an appreciable frequency, this variant is not anticipated to cause disease. However, the available evidence is currently insufficient to prove that conclusively. Therefore, it has been classified as a Variant of Uncertain Significance.

Eurofins Ntd Llc (ga)
Classification: Uncertain significance. Last evaluated: 2017-07-03. Review status: criteria provided, single submitter. Criteria: EGL Classification Definitions 2015. Collection method: clinical testing. Allele origin: germline. Observed: 1 variant allele, 1 heterozygote.

Ambry Genetics
Classification: Uncertain significance for Cardiovascular phenotype. Last evaluated: 2013-11-25. Review status: criteria provided, single submitter. Criteria: Ambry Autosomal Dominant and X-Linked criteria (10/2015). Collection method: clinical testing. Allele origin: germline. Observed: 1 variant allele.
Comment: The p.N3171S variant (also known as c.9512A>G) is located in coding exon 40 of the TTNgene. This alteration results from an A to G substitution at nucleotide position 9512. The asparagine at codon 3171 is replaced by serine, an amino acid with highly similar properties. This variant was previously reported in dbSNP asrs139992576. Based on data from the NHLBI Exome Sequencing Project (ESP), the G-allele has an overall frequency of approximately0.01% (1/13006), having been observed in0.01% (1/8600)of European American alleles, and not observed in 4406 African American alleles studied. Based on data from the 1000 Genomes Project, the G-allele has an overall frequency of approximately0.05% (1/2184), having been observed in0.56% (1/178) of Japanesechromosomes studied. Based on protein sequence alignment, this amino acid position is highly conserved in available vertebrate species. In addition, this alteration is predicted to be probably damaging by PolyPhen in silico analysis. Since supporting evidence is limited at this time, the clinical significance of this variant remains unclear.

Department of Pathology and Laboratory Medicine, Sinai Health System
Classification: Uncertain significance. Review status: no assertion criteria provided. Collection method: clinical testing. Allele origin: unknown. Affected: yes. Study: The Canadian Open Genetics Repository (COGR). Not counted in ClinVar's aggregate classification.
Comment: The TTN p.Asn3171Ser variant was not identified in the literature nor was it identified in LOVD 3.0. The variant was identified in dbSNP (ID: rs139992576) and ClinVar (classified as uncertain significance by Invitae, Ambry Genetics and EGL Genetic Diagnostics). The variant was identified in control databases in 17 of 250758 chromosomes at a frequency of 0.00006779 (Genome Aggregation Database March 6, 2019, v2.1.1). The variant was observed in the following populations: European (non-Finnish) in 15 of 113178 chromosomes (freq: 0.000133), African in 1 of 16256 chromosomes (freq: 0.000062) and South Asian in 1 of 30614 chromosomes (freq: 0.000033), but was not observed in the Latino, Ashkenazi Jewish, East Asian, European (Finnish), or Other populations. The p.Asn3171 residue is conserved across mammals and other organisms, and four out of five computational analyses (PolyPhen-2, SIFT, AlignGVGD, BLOSUM, MutationTaster) suggest that the variant may impact the protein; however, this information is not predictive enough to assume pathogenicity. The variant occurs outside of the splicing consensus sequence and three of four in silico or computational prediction software programs (SpliceSiteFinder, MaxEntScan, NNSPLICE, GeneSplicer) predict a greater than 10% difference in splicing. However, this information is not predictive enough to assume pathogenicity. In summary, based on the above information the clinical significance of this variant cannot be determined with certainty at this time. This variant is classified as a variant of uncertain significance.

Literature cited by the submitters: PubMed 29956481 (cited by Women's Health and Genetics/Laboratory Corporation of America, LabCorp); PubMed 25589632 (cited by Labcorp Genetics (formerly Invitae), Labcorp).